The following is an entry in ClinVar:

ClinVar aggregate classification (germline): Likely benign (1 of 4 stars; one submission).

gnomAD v4.1: 128 of 1,613,834 alleles (0.0079%); highest among the groups gnomAD compares: African/African-American, 0.097%; no homozygotes.

Submission:

CeGaT Center for Human Genetics Tuebingen
Classification: Likely benign. Last evaluated: 2026-04-01. Review status: criteria provided, single submitter. Criteria: CeGaT Center For Human Genetics Tuebingen Variant Classification Criteria Version 2. Collection method: clinical testing. Allele origin: germline. Affected: yes. Observed: 1 variant allele.
Comment: CWF19L1: BP4, BP7

NM_018294.6(CWF19L1):c.1551C>T (p.Asp517=)

Genes: CHUK-DT (CHUK divergent transcript; plus strand), CWF19L1 (CWF19 like cell cycle control factor 1; minus strand). Cytogenetic location: 10q24.31.
Variant type: single nucleotide variant.
Coding change: c.1551C>T on transcript NM_018294.6 (MANE Select); coding-DNA position 1551, C replaced by T.
Protein change: p.Asp517=; no amino-acid change (aspartic acid 517 retained).
Molecular consequence: synonymous variant. On other transcripts: non-coding transcript variant (2).
Genome position (GRCh38, 1-based): chr10:100,233,293, G>A on the plus strand (C>T on the coding strand, the complement: CWF19L1 is on the minus strand). VCF-style: chr10-100233293-G-A. GRCh37 (hg19) VCF-style: chr10-101993050-G-A.
Other names: c.1431C>T, p.Asp477= (NM_001303404.2); c.1140C>T, p.Asp380= (NM_001303405.2, NM_001303406.2); c.816C>T, p.Asp272= (NM_001303407.2).
Identifiers: ClinVar variation 4872728 (VCV004872728.2).